The following is an entry in ClinVar:

NM_005585.5(SMAD6):c.725A>C (p.Lys242Thr)

Gene: SMAD6 (SMAD family member 6; plus strand). Cytogenetic location: 15q22.31.
Variant type: single nucleotide variant.
Coding change: c.725A>C on transcript NM_005585.5 (MANE Select); coding-DNA position 725, A replaced by C.
Protein change: p.Lys242Thr; replaces lysine 242 with threonine.
Molecular consequence: missense variant. On other transcripts: non-coding transcript variant (1).
Genome position (GRCh38, 1-based): chr15:66,703,983, A>C. VCF-style: chr15-66703983-A-C. GRCh37 (hg19) VCF-style: chr15-66996321-A-C.
Other names: short protein forms K242T.
Identifiers: ClinVar variation 2912209 (VCV002912209.3), dbSNP rs2545313014, ClinGen allele CA392950115.

ClinVar aggregate classification (germline): Uncertain significance (1 of 4 stars; one submission).

Conditions:
Aortic valve disease 2 (AOVD2). Identifiers: MedGen C3542024, MONDO:0013902, OMIM 614823.

Submission:

Labcorp Genetics (formerly Invitae), Labcorp
Classification: Uncertain significance for Aortic valve disease 2. Last evaluated: 2023-10-22. Review status: criteria provided, single submitter. Criteria: Invitae Variant Classification Sherloc (09022015). Collection method: clinical testing. Allele origin: germline.
Comment: This sequence change replaces lysine, which is basic and polar, with threonine, which is neutral and polar, at codon 242 of the SMAD6 protein (p.Lys242Thr). This variant is not present in population databases (gnomAD no frequency). This variant has not been reported in the literature in individuals affected with SMAD6-related conditions. Advanced modeling of protein sequence and biophysical properties (such as structural, functional, and spatial information, amino acid conservation, physicochemical variation, residue mobility, and thermodynamic stability) has been performed at Invitae for this missense variant, however the output from this modeling did not meet the statistical confidence thresholds required to predict the impact of this variant on SMAD6 protein function. In summary, the available evidence is currently insufficient to determine the role of this variant in disease. Therefore, it has been classified as a Variant of Uncertain Significance.